The following is an entry in ClinVar:

ClinVar aggregate classification (germline): Uncertain significance (1 of 4 stars; one submission).

Submission:

Labcorp Genetics (formerly Invitae), Labcorp
Classification: Uncertain significance. Last evaluated: 2024-12-23. Review status: criteria provided, single submitter. Criteria: Invitae Variant Classification Sherloc (09022015). Collection method: clinical testing. Allele origin: germline.
Comment: This sequence change replaces threonine, which is neutral and polar, with alanine, which is neutral and non-polar, at codon 69 of the NTRK2 protein (p.Thr69Ala). This variant is present in population databases (no rsID available, gnomAD 0.003%). This variant has not been reported in the literature in individuals affected with NTRK2-related conditions. Invitae Evidence Modeling of protein sequence and biophysical properties (such as structural, functional, and spatial information, amino acid conservation, physicochemical variation, residue mobility, and thermodynamic stability) indicates that this missense variant is not expected to disrupt NTRK2 protein function with a negative predictive value of 80%. In summary, the available evidence is currently insufficient to determine the role of this variant in disease. Therefore, it has been classified as a Variant of Uncertain Significance.

NM_006180.6(NTRK2):c.205A>G (p.Thr69Ala)

Gene: NTRK2 (neurotrophic receptor tyrosine kinase 2; plus strand). Cytogenetic location: 9q21.33.
Variant type: single nucleotide variant.
Coding change: c.205A>G on transcript NM_006180.6 (MANE Select); coding-DNA position 205, A replaced by G.
Protein change: p.Thr69Ala; replaces threonine 69 with alanine.
Molecular consequence: missense variant.
Genome position (GRCh38, 1-based): chr9:84,670,953, A>G. VCF-style: chr9-84670953-A-G. GRCh37 (hg19) VCF-style: chr9-87285868-A-G.
Other names: c.205A>G, p.Thr69Ala (NM_001369545.1, NM_001369546.1, NM_001369547.1 and 18 more transcripts); short protein forms T69A.
Identifiers: ClinVar variation 3621857 (VCV003621857.2).
Genomic context (GRCh38, chr9:84,670,953, plus strand): 5'-TCTCCTGGCATCGTGGCATTTCCGAGATTGGAGCCTAACAGTGTAGATCCTGAGAACATC[A>G]CCGAAATGTGAGTTCCTGGAGCTTTTCCTCCTTTTTCTCCTTGCCCCTAGGGCCCGAGCT-3'
Protein context (NP_006171.2, residues 59-79): EPNSVDPENI[Thr69Ala]EIFIANQKRL